The following is an entry in ClinVar:

ClinVar aggregate classification (germline): Likely benign. Review status: criteria provided, multiple submitters, no conflicts (2 of 4 stars). 4 submissions from 4 submitters: Likely benign (4). Last evaluated 2024-11-13.

Conditions:
Inborn genetic diseases. Identifiers: MedGen C0950123, MeSH D030342.

Allele frequency attached by ClinVar (database versions not stated): gnomAD 0.00037 and 0.00039; ESP Exome Variant Server 0.00057; gnomAD exomes 0.00058 and 0.00055; 1000 Genomes Project 30x 0.00062; ExAC 0.00064; 1000 Genomes Project 0.00053; TOPMed 0.00038.
gnomAD v4.1: 684 of 1,208,720 alleles (0.057%); highest among the groups gnomAD compares: South Asian, 0.16%; no homozygotes.

Submissions (4):

Blueprint Genetics
Classification: Likely benign. Last evaluated: 2024-11-13. Review status: criteria provided, single submitter. Criteria: ACMG Guidelines, 2015. Collection method: clinical testing. Allele origin: germline.

CeGaT Center for Human Genetics Tuebingen
Classification: Likely benign. Last evaluated: 2024-05-01. Review status: criteria provided, single submitter. Criteria: CeGaT Center For Human Genetics Tuebingen Variant Classification Criteria Version 2. Collection method: clinical testing. Allele origin: germline. Affected: yes. Observed: 4 variant alleles.
Comment: FMR1: BP4, BP7, BS2

Ambry Genetics
Classification: Likely benign for Inborn genetic diseases. Last evaluated: 2016-12-01. Review status: criteria provided, single submitter. Criteria: Ambry Variant Classification Scheme 2023. Collection method: clinical testing. Allele origin: germline.

Breakthrough Genomics
Classification: Likely benign. Review status: criteria provided, single submitter. Criteria: ACMG Guidelines, 2015. Collection method: not provided. Allele origin: germline. Inheritance: X-linked inheritance. Affected: yes.

NM_002024.6(FMR1):c.651G>A (p.Ser217=)

Gene: FMR1 (fragile X messenger ribonucleoprotein 1; plus strand). Cytogenetic location: Xq27.3.
Variant type: single nucleotide variant.
Coding change: c.651G>A on transcript NM_002024.6 (MANE Select); coding-DNA position 651, G replaced by A.
Protein change: p.Ser217=; no amino-acid change (serine 217 retained).
Molecular consequence: synonymous variant. On other transcripts: non-coding transcript variant (2).
Genome position (GRCh38, 1-based): chrX:147,932,445, G>A. VCF-style: chrX-147932445-G-A. GRCh37 (hg19) VCF-style: chrX-147013964-G-A.
Other names: c.651G>A, p.Ser217= (NM_001185075.2, NM_001185076.2, NM_001185081.2 and 1 more transcripts).
Identifiers: ClinVar variation 589719 (VCV000589719.30), dbSNP rs146297962, ClinGen allele CA10536208.
Genomic context (GRCh38, chrX:147,932,445, plus strand): 5'-GTTGATAAAGTGTATTCATCAGACGTCCATTTCTCTTCAGAGTTCAAGGCAGCTTGCCTC[G>A]AGATTTCATGAACAGTTTATCGTAAGAGAAGATCTGATGGGTCTAGCTATTGGTACTCAT-3'
Protein context (NP_002015.1, residues 207-227): KQLESSRQLA[Ser217=]RFHEQFIVRE